The following is an entry in ClinVar:

NM_001308210.2(TSHZ1):c.1429C>T (p.Arg477Trp)

Genes: TSHZ1 (teashirt zinc finger homeobox 1; plus strand), LOC125371439 (Sharpr-MPRA regulatory region 9768; plus strand). Cytogenetic location: 18q22.3.
Variant type: single nucleotide variant.
Coding change: c.1429C>T on transcript NM_001308210.2 (MANE Select); coding-DNA position 1429, C replaced by T.
Protein change: p.Arg477Trp; replaces arginine 477 with tryptophan.
Molecular consequence: missense variant.
Genome position (GRCh38, 1-based): chr18:75,286,836, C>T. VCF-style: chr18-75286836-C-T. GRCh37 (hg19) VCF-style: chr18-72998791-C-T.
Other names: c.1294C>T, p.Arg432Trp (NM_005786.6); c.1294C>T (NM_005786.5); short protein forms R477W, R432W.
Identifiers: ClinVar variation 3462807 (VCV003462807.2).

ClinVar aggregate classification (germline): Uncertain significance. Review status: criteria provided, multiple submitters, no conflicts (2 of 4 stars). 2 submissions from 2 submitters: Uncertain significance (2). Last evaluated 2025-02-14.

Conditions:
TSHZ1-related disorder. Also called: TSHZ1-related condition.

gnomAD v4.1: 165 of 1,613,964 alleles (0.01%); highest among the groups gnomAD compares: Middle Eastern, 0.099%; no homozygotes.

Submissions (2):

PreventionGenetics, part of Exact Sciences
Classification: Uncertain significance for TSHZ1-related condition. Last evaluated: 2025-02-14. Review status: criteria provided, single submitter. Criteria: ACMG Guidelines, 2015. Collection method: clinical testing. Allele origin: germline.
Comment: The TSHZ1 c.1294C>T variant is predicted to result in the amino acid substitution p.Arg432Trp. To our knowledge, this variant has not been reported in the literature. This variant is reported in 0.011% of alleles in individuals of European (Non-Finnish) descent in gnomAD. Although we suspect that this variant may be benign, at this time, the clinical significance of this variant is uncertain due to the absence of conclusive functional and genetic evidence.

Ambry Genetics
Classification: Uncertain significance. Last evaluated: 2024-09-18. Review status: criteria provided, single submitter. Criteria: Ambry Variant Classification Scheme 2023. Collection method: clinical testing. Allele origin: germline.